The following is an entry in ClinVar:

ClinVar aggregate classification (germline): Uncertain significance (1 of 4 stars; one submission).

Conditions:
PRPH2-related disorder. Also called: PRPH2-related condition; PRPH2-related disorders. Identifiers: MedGen CN239395.

Submission:

Labcorp Genetics (formerly Invitae), Labcorp
Classification: Uncertain significance for PRPH2-related disorder. Last evaluated: 2023-06-03. Review status: criteria provided, single submitter. Criteria: Invitae Variant Classification Sherloc (09022015). Collection method: clinical testing. Allele origin: germline.
Comment: This variant, c.973_975del, results in the deletion of 1 amino acid(s) of the PRPH2 protein (p.Lys325del), but otherwise preserves the integrity of the reading frame. This variant is present in population databases (no rsID available, gnomAD 0.008%). In summary, the available evidence is currently insufficient to determine the role of this variant in disease. Therefore, it has been classified as a Variant of Uncertain Significance. Experimental studies and prediction algorithms are not available or were not evaluated, and the functional significance of this variant is currently unknown. This variant has not been reported in the literature in individuals affected with PRPH2-related conditions.

NM_000322.5(PRPH2):c.970AAG[1] (p.Lys325del)

Gene: PRPH2 (peripherin 2; minus strand). Cytogenetic location: 6p21.1.
Variant type: Microsatellite.
Coding change: c.970AAG[1] on transcript NM_000322.5 (MANE Select); one copy of the 3-base unit AAG starting at c.970; the reference has two copies in a row; one copy, 3 bases deleted.
Protein change: p.Lys325del; deletes lysine 325.
Molecular consequence: inframe deletion.
Genome position (GRCh38, 1-based): chr6:42,698,361-42,698,363, CTT deleted on the plus strand (AAG on the coding strand, the reverse complement: PRPH2 is on the minus strand); deleting any 3 consecutive bases within chr6:42,698,361-42,698,367 gives the same sequence; the position shown is the placement nearest the transcript's 3' end. VCF-style (leftmost placement, unchanged base first): chr6-42698360-GCTT-G. GRCh37 (hg19) VCF-style: chr6-42666098-GCTT-G.
Other names: short protein forms K325del.
Identifiers: ClinVar variation 2156744 (VCV002156744.4), dbSNP rs1326239760, ClinGen allele CA567149546.